The following is an entry in ClinVar:

NM_005186.4(CAPN1):c.1850T>A (p.Ile617Asn)

Genes: CAPN1 (calpain 1; plus strand), LOC126861236 (P300/CBP strongly-dependent group 1 enhancer GRCh37_chr11:64976880-64978079; plus strand). Cytogenetic location: 11q13.1.
Variant type: single nucleotide variant.
Coding change: c.1850T>A on transcript NM_005186.4 (MANE Select); coding-DNA position 1850, T replaced by A.
Protein change: p.Ile617Asn; replaces isoleucine 617 with asparagine.
Molecular consequence: missense variant. On other transcripts: non-coding transcript variant (1).
Genome position (GRCh38, 1-based): chr11:65,209,904, T>A. VCF-style: chr11-65209904-T-A. GRCh37 (hg19) VCF-style: chr11-64977375-T-A.
Other names: c.1850T>A, p.Ile617Asn (NM_001198868.2, NM_001198869.2); c.1688T>A, p.Ile563Asn (NM_001198870.1); short protein forms I563N, I617N.
Identifiers: ClinVar variation 1989885 (VCV001989885.4), dbSNP rs1370430001, ClinGen allele CA381255004.

ClinVar aggregate classification (germline): Uncertain significance (1 of 4 stars; one submission).

Allele frequency attached by ClinVar (database versions not stated): gnomAD 0.00001; TOPMed 0.00001; gnomAD exomes 0.00002.
gnomAD v4.1: 29 of 1,613,566 alleles (0.0018%); highest among the groups gnomAD compares: Non-Finnish European, 0.0025%; no homozygotes.

Submission:

Labcorp Genetics (formerly Invitae), Labcorp
Classification: Uncertain significance. Last evaluated: 2022-07-15. Review status: criteria provided, single submitter. Criteria: Invitae Variant Classification Sherloc (09022015). Collection method: clinical testing. Allele origin: germline.
Comment: This variant has not been reported in the literature in individuals affected with CAPN1-related conditions. In summary, the available evidence is currently insufficient to determine the role of this variant in disease. Therefore, it has been classified as a Variant of Uncertain Significance. Algorithms developed to predict the effect of missense changes on protein structure and function are either unavailable or do not agree on the potential impact of this missense change (SIFT: "Deleterious"; PolyPhen-2: "Probably Damaging"; Align-GVGD: "Class C0"). This variant is not present in population databases (gnomAD no frequency). This sequence change replaces isoleucine, which is neutral and non-polar, with asparagine, which is neutral and polar, at codon 617 of the CAPN1 protein (p.Ile617Asn).